The following is an entry in ClinVar:

NM_002715.4(PPP2CA):c.217G>T (p.Gly73Cys)

Gene: PPP2CA (protein phosphatase 2 catalytic subunit alpha; minus strand). Cytogenetic location: 5q31.1.
Variant type: single nucleotide variant.
Coding change: c.217G>T on transcript NM_002715.4 (MANE Select); coding-DNA position 217, G replaced by T.
Protein change: p.Gly73Cys; replaces glycine 73 with cysteine.
Molecular consequence: missense variant. On other transcripts: non-coding transcript variant (1).
Genome position (GRCh38, 1-based): chr5:134,206,017, C>A on the plus strand (G>T on the coding strand, the complement: PPP2CA is on the minus strand). VCF-style: chr5-134206017-C-A. GRCh37 (hg19) VCF-style: chr5-133541708-C-A.
Other names: c.22G>T, p.Gly8Cys (NM_001355019.2); short protein forms G73C, G8C.
Identifiers: ClinVar variation 4975522 (VCV004975522.1).

ClinVar aggregate classification (germline): Uncertain significance (1 of 4 stars; one submission).

Submission:

GeneDx
Classification: Uncertain significance. Last evaluated: 2026-01-23. Review status: criteria provided, single submitter. Criteria: GeneDx Variant Classification Process June 2021. Collection method: clinical testing. Allele origin: germline.
Comment: Not observed at significant frequency in large population cohorts (gnomAD); In silico analysis supports that this missense variant has a deleterious effect on protein structure/function; Has not been previously published as pathogenic or benign to our knowledge